The following is an entry in ClinVar:

ClinVar aggregate classification (germline): Uncertain significance (1 of 4 stars; one submission).

Allele frequency attached by ClinVar (database versions not stated): gnomAD exomes below 0.00001; ESP Exome Variant Server 0.00008.
gnomAD v4.1: 1 of 1,601,658 alleles (0.000062%); highest among the groups gnomAD compares: Non-Finnish European, 0.000085%; no homozygotes.

Submission:

GeneDx
Classification: Uncertain significance. Last evaluated: 2017-05-23. Review status: criteria provided, single submitter. Criteria: GeneDx Variant Classification (06012015). Collection method: clinical testing. Allele origin: germline. Affected: yes.
Comment: The F429V variant in the BBS7 gene has not been reported previously as a pathogenic variant, nor as a benign variant, to our knowledge. The F429V variant is not observed in large population cohorts (Lek et al., 2016; 1000 Genomes Consortium et al., 2015; Exome Variant Server). The F429V variant is a semi-conservative amino acid substitution, which may impact secondary protein structure as these residues differ in some properties. This substitution occurs at a position that is conserved in mammals. In silico analysis predicts this variant is probably damaging to the protein structure/function. We interpret F429V as a variant of uncertain significance.

NM_176824.3(BBS7):c.1285T>G (p.Phe429Val)

Gene: BBS7 (Bardet-Biedl syndrome 7; minus strand). Cytogenetic location: 4q27.
Variant type: single nucleotide variant.
Coding change: c.1285T>G on transcript NM_176824.3 (MANE Select); coding-DNA position 1285, T replaced by G.
Protein change: p.Phe429Val; replaces phenylalanine 429 with valine.
Molecular consequence: missense variant.
Genome position (GRCh38, 1-based): chr4:121,843,947, A>C on the plus strand (T>G on the coding strand, the complement: BBS7 is on the minus strand). VCF-style: chr4-121843947-A-C. GRCh37 (hg19) VCF-style: chr4-122765102-A-C.
Other names: c.1285T>G, p.Phe429Val (NM_018190.4); short protein forms F429V.
Identifiers: ClinVar variation 430210 (VCV000430210.2), dbSNP rs149880614, ClinGen allele CA104761528.